The following is an entry in ClinVar:

ClinVar aggregate classification (germline): Benign/Likely benign. Review status: criteria provided, multiple submitters, no conflicts (2 of 4 stars). 7 submissions from 7 submitters: Benign (2); Likely benign (4). 1 of the submissions does not count toward it. Last evaluated 2025-12-25.

Conditions:
WDR62-related disorder. Also called: WDR62-related condition.
Microcephaly 2, primary, autosomal recessive, with or without cortical malformations. Also called: MICROCEPHALY 2, PRIMARY, AUTOSOMAL RECESSIVE, WITH CORTICAL MALFORMATIONS; WDR62 Primary Microcephaly. Identifiers: Orphanet 2512, MedGen C1858535, MONDO:0011435, OMIM 604317.

Allele frequency attached by ClinVar (database versions not stated): gnomAD exomes 0.00017 and 0.00033; ExAC 0.00038; 1000 Genomes Project 0.00120; ESP Exome Variant Server 0.00146; 1000 Genomes Project 30x 0.00156; gnomAD 0.00161 and 0.00176; TOPMed 0.00171.
gnomAD v4.1: 499 of 1,611,440 alleles (0.031%); highest among the groups gnomAD compares: African/African-American, 0.6%; 3 homozygotes.

Submissions (7):

Labcorp Genetics (formerly Invitae), Labcorp
Classification: Benign. Last evaluated: 2025-12-25. Review status: criteria provided, single submitter. Criteria: Invitae Variant Classification Sherloc (09022015). Collection method: clinical testing. Allele origin: germline.

Blueprint Genetics
Classification: Likely benign. Last evaluated: 2024-08-30. Review status: criteria provided, single submitter. Criteria: ACMG Guidelines, 2015. Collection method: clinical testing. Allele origin: germline.

Genome-Nilou Lab
Classification: Benign for Microcephaly 2, primary, autosomal recessive, with or without cortical malformations. Last evaluated: 2021-12-05. Review status: criteria provided, single submitter. Criteria: ACMG Guidelines, 2015. Collection method: clinical testing. Allele origin: germline. Affected: no.

GeneDx
Classification: Likely benign. Last evaluated: 2020-09-17. Review status: criteria provided, single submitter. Criteria: GeneDx Variant Classification Process June 2021. Collection method: clinical testing. Allele origin: germline. Affected: yes.

Genetic Services Laboratory, University of Chicago
Classification: Likely benign. Last evaluated: 2019-04-01. Review status: criteria provided, single submitter. Criteria: ACMG Guidelines, 2015. Collection method: clinical testing. Allele origin: germline. Affected: no.

Eurofins Ntd Llc (ga)
Classification: Likely benign. Last evaluated: 2017-10-24. Review status: criteria provided, single submitter. Criteria: EGL Classification Definitions 2015. Collection method: clinical testing. Allele origin: germline. Observed: 2 variant alleles, 2 heterozygotes.

PreventionGenetics, part of Exact Sciences
Classification: Likely benign for WDR62-related condition. Last evaluated: 2019-11-13. Review status: no assertion criteria provided. Collection method: clinical testing. Allele origin: germline. Not counted in ClinVar's aggregate classification.
Comment: This variant is classified as likely benign based on ACMG/AMP sequence variant interpretation guidelines (Richards et al. 2015 PMID: 25741868, with internal and published modifications).

NM_001083961.2(WDR62):c.3786C>T (p.Gly1262=)

Gene: WDR62 (WD repeat domain 62; plus strand). Cytogenetic location: 19q13.12.
Variant type: single nucleotide variant.
Coding change: c.3786C>T on transcript NM_001083961.2 (MANE Select); coding-DNA position 3786, C replaced by T.
Protein change: p.Gly1262=; no amino-acid change (glycine 1262 retained).
Molecular consequence: synonymous variant.
Genome position (GRCh38, 1-based): chr19:36,103,614, C>T. VCF-style: chr19-36103614-C-T. GRCh37 (hg19) VCF-style: chr19-36594516-C-T.
Other names: c.3771C>T, p.Gly1257= (NM_173636.5).
Identifiers: ClinVar variation 196612 (VCV000196612.26), dbSNP rs148415080, ClinGen allele CA243634.
Genomic context (GRCh38, chr19:36,103,614, plus strand): 5'-GGCCACACTGGCCCAGCCCCTCCGTAGGCCATCGTCCGTTGGGGAGCTGGCCTCCTTGGG[C>T]CAGGAGCTTCAGGCCATCACCACCGCGACAACACCCAGTTTGGACAGTGAGGGCCAAGAG-3'
Protein context (NP_001077430.1, residues 1252-1272): PSSVGELASL[Gly1262=]QELQAITTAT